The following is an entry in ClinVar:

NM_024675.4(PALB2):c.110G>T (p.Arg37Leu)

Gene: PALB2 (partner and localizer of BRCA2; minus strand). Cytogenetic location: 16p12.2.
Variant type: single nucleotide variant.
Coding change: c.110G>T on transcript NM_024675.4 (MANE Select); coding-DNA position 110, G replaced by T.
Protein change: p.Arg37Leu; replaces arginine 37 with leucine.
Molecular consequence: missense variant.
Genome position (GRCh38, 1-based): chr16:23,637,951, C>A on the plus strand (G>T on the coding strand, the complement: PALB2 is on the minus strand). VCF-style: chr16-23637951-C-A. GRCh37 (hg19) VCF-style: chr16-23649272-C-A.
Other names: short protein forms R37L.
Identifiers: ClinVar variation 490065 (VCV000490065.12), dbSNP rs202194596, ClinGen allele CA395139482.

ClinVar aggregate classification (germline): Uncertain significance. Review status: criteria provided, multiple submitters, no conflicts (2 of 4 stars). 3 submissions from 3 submitters: Uncertain significance (3). Last evaluated 2022-01-26.

Conditions:
Hereditary cancer-predisposing syndrome. Also called: Hereditary Cancer Syndrome; Neoplastic Syndromes, Hereditary; Tumor predisposition; Hereditary neoplastic syndrome. Identifiers: Orphanet 140162, MedGen C0027672, MeSH D009386, MONDO:0015356.
Familial cancer of breast. Also called: Hereditary breast cancer; BREAST CANCER, FAMILIAL; hereditary breast carcinoma. Identifiers: Orphanet 227535, MedGen C0346153, MONDO:0016419, OMIM 114480. Disease mechanism: loss of function.

gnomAD v4.1: 1 of 1,613,092 alleles (0.000062%); highest among the groups gnomAD compares: Non-Finnish European, 0.000085%; no homozygotes.

Submissions (3):

Labcorp Genetics (formerly Invitae), Labcorp
Classification: Uncertain significance for Familial cancer of breast. Last evaluated: 2022-01-26. Review status: criteria provided, single submitter. Criteria: Invitae Variant Classification Sherloc (09022015). Collection method: clinical testing. Allele origin: germline.
Comment: In summary, the available evidence is currently insufficient to determine the role of this variant in disease. Therefore, it has been classified as a Variant of Uncertain Significance. Algorithms developed to predict the effect of missense changes on protein structure and function are either unavailable or do not agree on the potential impact of this missense change (SIFT: "Deleterious"; PolyPhen-2: "Probably Damaging"; Align-GVGD: "Class C0"). ClinVar contains an entry for this variant (Variation ID: 490065). This variant has not been reported in the literature in individuals affected with PALB2-related conditions. This variant is not present in population databases (gnomAD no frequency). This sequence change replaces arginine, which is basic and polar, with leucine, which is neutral and non-polar, at codon 37 of the PALB2 protein (p.Arg37Leu).

Ambry Genetics
Classification: Uncertain significance for Hereditary cancer-predisposing syndrome. Last evaluated: 2020-09-16. Review status: criteria provided, single submitter. Criteria: Ambry Variant Classification Scheme 2023. Collection method: clinical testing. Allele origin: germline.
Comment: The p.R37L variant (also known as c.110G>T), located in coding exon 3 of the PALB2 gene, results from a G to T substitution at nucleotide position 110. The arginine at codon 37 is replaced by leucine, an amino acid with dissimilar properties. This amino acid position is highly conserved in available vertebrate species. In addition, the in silico prediction for this alteration is inconclusive. Since supporting evidence is limited at this time, the clinical significance of this alteration remains unclear.

Color Diagnostics, LLC DBA Color Health
Classification: Uncertain significance for Hereditary cancer-predisposing syndrome. Last evaluated: 2018-10-02. Review status: criteria provided, single submitter. Criteria: ACMG Guidelines, 2015. Collection method: clinical testing. Allele origin: germline.